The following is an entry in ClinVar:

NM_198253.3(TERT):c.404G>C (p.Gly135Ala)

Gene: TERT (telomerase reverse transcriptase; minus strand). Cytogenetic location: 5p15.33.
Variant type: single nucleotide variant.
Coding change: c.404G>C on transcript NM_198253.3 (MANE Select); coding-DNA position 404, G replaced by C.
Protein change: p.Gly135Ala; replaces glycine 135 with alanine.
Molecular consequence: missense variant. On other transcripts: non-coding transcript variant (2).
Genome position (GRCh38, 1-based): chr5:1,294,482, C>G on the plus strand (G>C on the coding strand, the complement: TERT is on the minus strand). VCF-style: chr5-1294482-C-G. GRCh37 (hg19) VCF-style: chr5-1294597-C-G.
Other names: c.404G>C, p.Gly135Ala (NM_001193376.3); short protein forms G135A.
Identifiers: ClinVar variation 436989 (VCV000436989.18), dbSNP rs1414898591, ClinGen allele CA359058100.
Genomic context (GRCh38, chr5:1,294,482, plus strand): 5'-CGTGCCAGCAGGTGAACCAGCACGTCGTCGCCCACGCGGCGCAGCAGCAGCCCCCACGCC[C>G]CGCTCCCCCGCAGTGCGTCGGTCACCGTGTTGGGCAGGTAGCTGCGCACGCTGGTGGTGA-3'
Protein context (NP_937983.2, residues 125-145): NTVTDALRGS[Gly135Ala]AWGLLLRRVG

ClinVar aggregate classification (germline): Uncertain significance. Review status: criteria provided, multiple submitters, no conflicts (2 of 4 stars). 4 submissions from 4 submitters: Uncertain significance (4). Last evaluated 2025-04-25.

Conditions:
Dyskeratosis congenita, autosomal dominant 2. Identifiers: MedGen C3151443, MONDO:0013521, OMIM 613989.
Idiopathic Pulmonary Fibrosis. Also called: Idiopathic fibrosing alveolitis, chronic form; idiopathic fibrosing alveolitis. Identifiers: Orphanet 2032, MedGen C1800706, MeSH D054990, MONDO:0800504.
Dyskeratosis congenita. Identifiers: Orphanet 1775, MedGen C0265965, MONDO:0015780.

Allele frequency attached by ClinVar (database versions not stated): gnomAD exomes below 0.00001 and 0.00001; gnomAD 0.00001.
gnomAD v4.1: 16 of 1,588,832 alleles (0.001%); highest among the groups gnomAD compares: Middle Eastern, 0.017%; no homozygotes.

Submissions (4):

Ambry Genetics
Classification: Uncertain significance for Dyskeratosis congenita. Last evaluated: 2025-04-25. Review status: criteria provided, single submitter. Criteria: Ambry Variant Classification Scheme 2023. Collection method: clinical testing. Allele origin: germline.
Comment: The p.G135A variant (also known as c.404G>C), located in coding exon 2 of the TERT gene, results from a G to C substitution at nucleotide position 404. The glycine at codon 135 is replaced by alanine, an amino acid with similar properties. This amino acid position is conserved. In addition, this alteration is predicted to be tolerated by in silico analysis. Based on the available evidence, the clinical significance of this variant remains unclear.

Labcorp Genetics (formerly Invitae), Labcorp
Classification: Uncertain significance for Dyskeratosis congenita, autosomal dominant 2; Idiopathic Pulmonary Fibrosis. Last evaluated: 2024-05-06. Review status: criteria provided, single submitter. Criteria: Invitae Variant Classification Sherloc (09022015). Collection method: clinical testing. Allele origin: germline.
Comment: This sequence change replaces glycine, which is neutral and non-polar, with alanine, which is neutral and non-polar, at codon 135 of the TERT protein (p.Gly135Ala). This variant is present in population databases (no rsID available, gnomAD 0.001%). This variant has not been reported in the literature in individuals affected with TERT-related conditions. ClinVar contains an entry for this variant (Variation ID: 436989). Advanced modeling of protein sequence and biophysical properties (such as structural, functional, and spatial information, amino acid conservation, physicochemical variation, residue mobility, and thermodynamic stability) performed at Invitae indicates that this missense variant is expected to disrupt TERT protein function with a positive predictive value of 80%. In summary, the available evidence is currently insufficient to determine the role of this variant in disease. Therefore, it has been classified as a Variant of Uncertain Significance.

GeneDx
Classification: Uncertain significance. Last evaluated: 2024-01-17. Review status: criteria provided, single submitter. Criteria: GeneDx Variant Classification Process June 2021. Collection method: clinical testing. Allele origin: germline. Affected: yes.
Comment: Not observed at significant frequency in large population cohorts (gnomAD); In silico analysis supports that this missense variant does not alter protein structure/function; Has not been previously published as pathogenic or benign to our knowledge

Genetic Services Laboratory, University of Chicago
Classification: Uncertain significance. Last evaluated: 2016-10-27. Review status: criteria provided, single submitter. Criteria: ACMG Guidelines, 2015. Collection method: clinical testing. Allele origin: germline. Affected: no.